The following is an entry in ClinVar:

NM_015506.3(MMACHC):c.*413G>A

Gene: MMACHC (metabolism of cobalamin associated C; plus strand). Cytogenetic location: 1p34.1.
Variant type: single nucleotide variant.
Coding change: c.*413G>A on transcript NM_015506.3 (MANE Select); 413 bases downstream of the stop codon, G replaced by A.
Molecular consequence: 3 prime UTR variant.
Genome position (GRCh38, 1-based): chr1:45,509,628, G>A. VCF-style: chr1-45509628-G-A. GRCh37 (hg19) VCF-style: chr1-45975300-G-A.
Other names: c.*413G>A (NM_001330540.2).
Identifiers: ClinVar variation 297505 (VCV000297505.6), dbSNP rs12021717, ClinGen allele CA10610043.
Genomic context (GRCh38, chr1:45,509,628, plus strand): 5'-ACACCTGGCTAATTTTTTGTATTTTTAGTAGAGATGGGGTTTCATCATATTGGCCAGGCT[G>A]GTCTTTAACTCCTGACCTCGTGATCCACCCATCTTGGCCTCCCAAAGTCCTGGGATTACA-3'

ClinVar aggregate classification (germline): Benign. Review status: criteria provided, multiple submitters, no conflicts (2 of 4 stars). 2 submissions from 2 submitters: Benign (2). Last evaluated 2018-01-12.

Conditions:
Disorders of Intracellular Cobalamin Metabolism. Identifiers: MedGen CN043592.

Allele frequency attached by ClinVar (database versions not stated): 1000 Genomes Project 30x 0.11743; 1000 Genomes Project 0.11841; TOPMed 0.16579; gnomAD exomes 0.21461.
gnomAD v4.1: 30,429 of 167,092 alleles (18%); highest among the groups gnomAD compares: Non-Finnish European, 23%; 3,181 homozygotes.

Submissions (2):

Illumina Laboratory Services, Illumina
Classification: Benign for Disorders of Intracellular Cobalamin Metabolism. Last evaluated: 2018-01-12. Review status: criteria provided, single submitter. Criteria: ICSL Variant Classification Criteria 13 December 2019. Collection method: clinical testing. Allele origin: germline.
Comment: This variant was observed in the ICSL laboratory as part of a predisposition screen in an ostensibly healthy population. It had not been previously curated by ICSL or reported in the Human Gene Mutation Database (HGMD: prior to June 1st, 2018), and was therefore a candidate for classification through an automated scoring system. Utilizing variant allele frequency, disease prevalence and penetrance estimates, and inheritance mode, an automated score was calculated to assess if this variant is too frequent to cause the disease. Based on the score and internal cut-off values, a variant classified as benign is not then subjected to further curation. The score for this variant resulted in a classification of benign for this disease.

Breakthrough Genomics
Classification: Benign. Review status: criteria provided, single submitter. Criteria: ACMG Guidelines, 2015. Collection method: not provided. Allele origin: germline. Inheritance: Autosomal recessive inheritance. Affected: yes.